The following is an entry in ClinVar:

ClinVar aggregate classification (germline): Benign. Review status: criteria provided, multiple submitters, no conflicts (2 of 4 stars). 8 submissions from 8 submitters: Benign (6). 2 of the submissions do not count toward it. Last evaluated 2026-02-02.

Conditions:
Spinocerebellar ataxia type 19/22 (SCA19). Also called: SPINOCEREBELLAR ATAXIA 22; SPINOCEREBELLAR ATAXIA 19. Identifiers: Orphanet 98772, MedGen C1846367, MONDO:0011819, OMIM 607346.
Cardiovascular phenotype. Identifiers: MedGen CN230736.

Allele frequency attached by ClinVar (database versions not stated): gnomAD 0.01109; 1000 Genomes Project 0.01258; TOPMed 0.01294; ESP Exome Variant Server 0.01322; 1000 Genomes Project 30x 0.01343.
gnomAD v4.1: 3,771 of 1,613,974 alleles (0.23%); highest among the groups gnomAD compares: African/African-American, 3.9%; 65 homozygotes.

Submissions (8):

Labcorp Genetics (formerly Invitae), Labcorp
Classification: Benign for Spinocerebellar ataxia type 19/22. Last evaluated: 2026-02-02. Review status: criteria provided, single submitter. Criteria: Invitae Variant Classification Sherloc (09022015). Collection method: clinical testing. Allele origin: germline.

Mayo Clinic Laboratories, Mayo Clinic
Classification: Benign. Last evaluated: 2024-06-21. Review status: criteria provided, single submitter. Criteria: ACMG Guidelines, 2015. Collection method: clinical testing. Allele origin: germline. Observed: 10 variant alleles.
Comment: BS1, BS2, BP4, BP7

Women's Health and Genetics/Laboratory Corporation of America, LabCorp
Classification: Benign. Last evaluated: 2024-06-17. Review status: criteria provided, single submitter. Criteria: LabCorp Variant Classification Summary - May 2015. Collection method: clinical testing. Allele origin: germline.

Athena Diagnostics
Classification: Benign. Last evaluated: 2024-03-21. Review status: criteria provided, single submitter. Criteria: Athena Diagnostics Criteria. Collection method: clinical testing. Allele origin: unknown.

GeneDx
Classification: Benign. Last evaluated: 2016-12-12. Review status: criteria provided, single submitter. Criteria: GeneDx Variant Classification (06012015). Collection method: clinical testing. Allele origin: germline. Affected: yes.
Comment: This variant is considered likely benign or benign based on one or more of the following criteria: it is a conservative change, it occurs at a poorly conserved position in the protein, it is predicted to be benign by multiple in silico algorithms, and/or has population frequency not consistent with disease.

Ambry Genetics
Classification: Benign for Cardiovascular phenotype. Last evaluated: 2016-06-07. Review status: criteria provided, single submitter. Criteria: Ambry Variant Classification Scheme 2023. Collection method: clinical testing. Allele origin: germline.

Clinical Genetics DNA and cytogenetics Diagnostics Lab, Erasmus MC, Erasmus Medical Center
Classification: Benign. Review status: no assertion criteria provided. Collection method: clinical testing. Allele origin: germline. Affected: yes. Study: VKGL Data-share Consensus. Not counted in ClinVar's aggregate classification.

Clinical Genetics, Academic Medical Center
Classification: Benign. Review status: no assertion criteria provided. Collection method: clinical testing. Allele origin: germline. Affected: yes. Study: VKGL Data-share Consensus. Not counted in ClinVar's aggregate classification.

NM_001378969.1(KCND3):c.1519-4G>T

Gene: KCND3 (potassium voltage-gated channel subfamily D member 3; minus strand). Cytogenetic location: 1p13.2.
Variant type: single nucleotide variant.
Coding change: c.1519-4G>T on transcript NM_001378969.1 (MANE Select); 4 bases into the intron before coding-DNA position 1519, G replaced by T.
Molecular consequence: intron variant.
Genome position (GRCh38, 1-based): chr1:111,777,277, C>A on the plus strand (G>T on the coding strand, the complement: KCND3 is on the minus strand). VCF-style: chr1-111777277-C-A. GRCh37 (hg19) VCF-style: chr1-112319899-C-A.
Other names: p.?; c.1462-4G>T (NM_001378970.1, NM_172198.3); c.1519-4G>T (NM_004980.5).
Identifiers: ClinVar variation 386374 (VCV000386374.23), dbSNP rs72548732, ClinGen allele CA1007393.